The following is an entry in ClinVar:

NC_000004.11:g.(?_155665479)_(155666038_?)del

Gene: LRAT (lecithin retinol acyltransferase; plus strand). Cytogenetic location: 4q32.1.
Variant type: Deletion.
Identifiers: ClinVar variation 3246734 (VCV003246734.1).

ClinVar aggregate classification (germline): Pathogenic (1 of 4 stars; one submission).

Submission:

Labcorp Genetics (formerly Invitae), Labcorp
Classification: Pathogenic. Last evaluated: 2023-02-16. Review status: criteria provided, single submitter. Criteria: Invitae Variant Classification Sherloc (09022015). Collection method: clinical testing. Allele origin: unknown.
Comment: This variant is a gross deletion of the genomic region encompassing exon(s) 2 of the LRAT gene, which includes the initiator codon. This deletion extends beyond the assayed region for this gene and therefore may encompass additional genes. It is expected to result in an absent or disrupted protein product. Loss-of-function variants in LRAT are known to be pathogenic (PMID: 22559933, 24265693). This variant has not been reported in the literature in individuals affected with LRAT-related conditions. For these reasons, this variant has been classified as Pathogenic.

Literature cited by the submitters: PubMed 22559933; PubMed 24265693.